The following is an entry in ClinVar:

NM_000264.5(PTCH1):c.16A>G (p.Asn6Asp)

Genes: PTCH1 (patched 1; minus strand), LOC130002133 (ATAC-STARR-seq lymphoblastoid silent region 20071; plus strand). Cytogenetic location: 9q22.32.
Variant type: single nucleotide variant.
Coding change: c.16A>G on transcript NM_000264.5 (MANE Select); coding-DNA position 16, A replaced by G.
Protein change: p.Asn6Asp; replaces asparagine 6 with aspartic acid.
Molecular consequence: missense variant. On other transcripts: non-coding transcript variant (1), intron variant (3).
Genome position (GRCh38, 1-based): chr9:95,508,346, T>C on the plus strand (A>G on the coding strand, the complement: PTCH1 is on the minus strand). VCF-style: chr9-95508346-T-C. GRCh37 (hg19) VCF-style: chr9-98270628-T-C.
Other names: c.16A>G, p.Asn6Asp (NM_001354918.2); c.199-1747A>G (NM_001083603.3); c.4-1747A>G (NM_001083602.3, NM_001354919.2); short protein forms N6D.
Identifiers: ClinVar variation 650990 (VCV000650990.13), dbSNP rs1587701202, ClinGen allele CA374121734.

ClinVar aggregate classification (germline): Conflicting classifications of pathogenicity. Review status: criteria provided, conflicting classifications (1 of 4 stars). 3 submissions from 3 submitters: Uncertain significance (2); Likely benign (1). Last evaluated 2025-06-11.

Conditions:
Gorlin syndrome. Also called: Basal cell nevus syndrome; Nevoid Basal Cell Carcinoma Syndrome. Identifiers: Orphanet 377, MedGen C0004779, MONDO:0007187.
Holoprosencephaly 7 (HPE7). Identifiers: Orphanet 2162, MedGen C1835820, MONDO:0012562, OMIM 610828.
Basal cell nevus syndrome 1 (BCNS1). Also called: GORLIN-GOLTZ SYNDROME; MULTIPLE BASAL CELL NEVI, ODONTOGENIC KERATOCYSTS, AND SKELETAL ANOMALIES. Identifiers: MedGen CN376810, MONDO:0958174, OMIM 109400.
Basal cell carcinoma, susceptibility to, 1. Also called: BCC1. Identifiers: MedGen C2751544, MONDO:0011556, OMIM 605462.
Hereditary cancer-predisposing syndrome. Also called: Hereditary Cancer Syndrome; Tumor predisposition; Neoplastic Syndromes, Hereditary; Hereditary neoplastic syndrome. Identifiers: Orphanet 140162, MedGen C0027672, MeSH D009386, MONDO:0015356.

Submissions (3):

Labcorp Genetics (formerly Invitae), Labcorp
Classification: Uncertain significance for Gorlin syndrome. Last evaluated: 2025-06-11. Review status: criteria provided, single submitter. Criteria: Invitae Variant Classification Sherloc (09022015). Collection method: clinical testing. Allele origin: germline.
Comment: This sequence change replaces asparagine, which is neutral and polar, with aspartic acid, which is acidic and polar, at codon 6 of the PTCH1 protein (p.Asn6Asp). This variant is not present in population databases (gnomAD no frequency). This variant has not been reported in the literature in individuals affected with PTCH1-related conditions. ClinVar contains an entry for this variant (Variation ID: 650990). Invitae Evidence Modeling of protein sequence and biophysical properties (such as structural, functional, and spatial information, amino acid conservation, physicochemical variation, residue mobility, and thermodynamic stability) indicates that this missense variant is not expected to disrupt PTCH1 protein function with a negative predictive value of 95%. In summary, the available evidence is currently insufficient to determine the role of this variant in disease. Therefore, it has been classified as a Variant of Uncertain Significance.

Ambry Genetics
Classification: Likely benign for Hereditary cancer-predisposing syndrome. Last evaluated: 2024-08-05. Review status: criteria provided, single submitter. Criteria: Ambry Variant Classification Scheme 2023. Collection method: clinical testing. Allele origin: germline.

Fulgent Genetics
Classification: Uncertain significance for Basal cell nevus syndrome 1; Basal cell carcinoma, susceptibility to, 1; Holoprosencephaly 7. Last evaluated: 2024-01-18. Review status: criteria provided, single submitter. Criteria: ACMG Guidelines, 2015. Collection method: clinical testing. Allele origin: germline.